The following is an entry in ClinVar:

NM_198535.3(ZNF699):c.159_166delinsTTCTTA (p.Gln53fs)

Gene: ZNF699 (zinc finger protein 699; minus strand). Cytogenetic location: 19p13.2.
Variant type: Indel.
Coding change: c.159_166delinsTTCTTA on transcript NM_198535.3 (MANE Select); coding-DNA positions 159 to 166, GAACCTGG replaced by TTCTTA.
Protein change: p.Gln53fs; shifts the reading frame from glutamine 53.
Molecular consequence: frameshift variant.
Genome position (GRCh38, 1-based): chr19:9,302,387-9,302,394, CCAGGTTC replaced by TAAGAA on the plus strand (GAACCTGG replaced by TTCTTA on the coding strand, the reverse complement: ZNF699 is on the minus strand). VCF-style: chr19-9302387-CCAGGTTC-TAAGAA. GRCh37 (hg19) VCF-style: chr19-9413063-CCAGGTTC-TAAGAA.
Other names: short protein forms Q53fs.
Identifiers: ClinVar variation 1708057 (VCV001708057.1), dbSNP rs2513397063, ClinGen allele CA2580097162.
Genomic context (GRCh38, chr19:9,302,387, plus strand): 5'-AGATAAAATAACTTTCTAAACAACTACATGAAAGAATCTTGCCATTCTTACCTAGTGAGG[CCAGGTTC>TAAGAA]TGGAAGTTTTCCAGCATCACATCTCTGTAGAGGTTTCTCTGAGCAAGATCCAGCAAAGCC-3'

ClinVar aggregate classification (germline): Pathogenic (1 of 4 stars; one submission).

Conditions:
DEGCAGS syndrome. Also called: DEVELOPMENTAL DELAY WITH GASTROINTESTINAL, CARDIOVASCULAR, GENITOURINARY, AND SKELETAL ABNORMALITIES. Identifiers: MedGen C5561967, MONDO:0859181, OMIM 619488.

Submission:

Laboratory of Medical Genetics, National & Kapodistrian University of Athens
Classification: Pathogenic for DEGCAGS syndrome. Last evaluated: 2022-06-23. Review status: criteria provided, single submitter. Criteria: ACMG Guidelines, 2015. Collection method: clinical testing. Allele origin: germline. Affected: yes.
Comment: PVS1, PM2, PP4